The following is an entry in ClinVar:

NM_194248.3(OTOF):c.2903_2922dup (p.Ala975fs)

Gene: OTOF (otoferlin; minus strand). Cytogenetic location: 2p23.3.
Variant type: Duplication.
Coding change: c.2903_2922dup on transcript NM_194248.3 (MANE Select); coding-DNA positions 2903 to 2922, 20 bases duplicated (AGGCCCGCAGCCTCTTTGCC).
Protein change: p.Ala975fs; shifts the reading frame from alanine 975.
Molecular consequence: frameshift variant.
Genome position (GRCh38, 1-based): chr2:26,475,983-26,476,002, GGCAAAGAGGCTGCGGGCCT duplicated on the plus strand (AGGCCCGCAGCCTCTTTGCC on the coding strand, the reverse complement: OTOF is on the minus strand); duplicating any 20 consecutive bases within chr2:26,475,983-26,476,004 gives the same sequence; the c. name uses the placement nearest the transcript's 3' end. VCF-style (leftmost placement, unchanged base first): chr2-26475982-C-CGGCAAAGAGGCTGCGGGCCT. GRCh37 (hg19) VCF-style: chr2-26698850-C-CGGCAAAGAGGCTGCGGGCCT.
Other names: c.2903_2922dup, p.Ala975fs (NM_001287489.2); c.662_681dup, p.Ala228fs (NM_004802.4, NM_194323.3); c.833_852dup, p.Ala285fs (NM_194322.3); short protein forms A228fs, A285fs, A975fs.
Identifiers: ClinVar variation 4879940 (VCV004879940.1).
Genomic context (GRCh38, chr2:26,475,982, plus strand): 5'-ACTGACTCTGATTGATGAAGAAGACGCGGGCAAAGGGGTCTGAGAGTCCGCTGCTGTCGG[C>CGGCAAAGAGGCTGCGGGCCT]GGCAAAGAGGCTGCGGGCCTGGTACATGTGCGCTCGGAGCTGGAACGCCTGCTTCTCTGT-3'

ClinVar aggregate classification (germline): Pathogenic (0 of 4 stars; one submission).

Conditions:
Autosomal recessive nonsyndromic hearing loss 9. Also called: NEUROSENSORY NONSYNDROMIC RECESSIVE DEAFNESS 9; OTOF-Related Hearing Loss; Deafness, autosomal recessive 9; AUDITORY NEUROPATHY, AUTOSOMAL RECESSIVE, 1, TEMPERATURE-SENSITIVE. Identifiers: Orphanet 90636, MedGen C1832828, MONDO:0010986, OMIM 601071.

Submission:

Diagnosis and Treatment Center of Genetic Hearing Loss, Eye & ENT Hospital of Fudan University
Classification: Pathogenic for Autosomal recessive nonsyndromic hearing loss 9. Last evaluated: 2026-02-04. Review status: no assertion criteria provided. Collection method: clinical testing. Allele origin: germline. Inheritance: Autosomal recessive inheritance. Affected: yes.
Comment: The c.2903_2922dup frameshift variant in OTOF leads to a premature stop codon at amino acid 975 and predicted NMD (PVS1). It is absent from population databases (PM2_Supporting). It was detected in trans with pathogenic c.4091-1G>A (PM3). The phenotype is consistent with auditory neuropathy (PP4).